The following is an entry in ClinVar:

ClinVar aggregate classification (germline): Conflicting classifications of pathogenicity. Review status: criteria provided, conflicting classifications (1 of 4 stars). 3 submissions from 3 submitters: Likely pathogenic (1); Uncertain significance (2). Last evaluated 2026-03-18.

Conditions:
Pfeiffer syndrome (ACS5). Also called: ACS V. Identifiers: Orphanet 710, MedGen C0220658, MONDO:0007043, OMIM 101600.
Hypogonadotropic hypogonadism 2 with or without anosmia (HH2). Also called: FGFR1-Related GnRH Deficiency (Kallmann Syndrome 2); HYPOGONADOTROPIC HYPOGONADISM 2 WITH OR WITHOUT ANOSMIA, SUSCEPTIBILITY TO; HYPOGONADOTROPIC HYPOGONADISM 2 WITHOUT ANOSMIA, SUSCEPTIBILITY TO; HYPOGONADOTROPIC HYPOGONADISM 2 WITHOUT ANOSMIA. Identifiers: Orphanet 478, MedGen C1563720, MONDO:0007844, OMIM 147950. Disease mechanism: loss of function.
Trigonocephaly 1 (TRIGNO1). Identifiers: Orphanet 3366, MedGen C0432122, MONDO:0008603, OMIM 190440.

Allele frequency attached by ClinVar (database versions not stated): gnomAD 0.00002; TOPMed 0.00003.

Submissions (3):

Clinical Genomics Laboratory, Washington University in St. Louis
Classification: Uncertain significance for Pfeiffer syndrome. Last evaluated: 2026-03-18. Review status: criteria provided, single submitter. Criteria: ACMG Guidelines, 2015. Collection method: clinical testing. Allele origin: germline.
Comment: An FGFR1 c.2365C>T (p.Arg789*) variant was identified at a near heterozygous allelic fraction of 49.2%, a frequency which may be consistent with it being of germline origin. The FGFR1 c.2365C>T (p.Arg789*) variant, to our knowledge, has not been reported in the medical literature but has been reported in the ClinVar database as a germline variant of uncertain significance by one submitter and a likely pathogenic variant by one submitter (ClinVar Variation ID: 2498226). This variant is only observed on 3/232, 678 alleles in the general population (gnomAD v4.1.0). Due to limited information, and based on ACMG/AMP guidelines for variant interpretation (Richards S et al., PMID: 25741868), the clinical significance of this variant is uncertain at this time.

Department of Pathology and Laboratory Medicine, Sinai Health System
Classification: Uncertain significance for Trigonocephaly 1; Hypogonadotropic hypogonadism 2 with or without anosmia. Last evaluated: 2022-11-06. Review status: criteria provided, single submitter. Criteria: ACMG Guidelines, 2015. Collection method: research. Allele origin: germline.

Lifecell International Pvt. Ltd
Classification: Likely pathogenic for Hypogonadotropic hypogonadism 2 with or without anosmia. Review status: criteria provided, single submitter. Criteria: ACMG Guidelines, 2015. Collection method: clinical testing. Allele origin: germline. Inheritance: Autosomal dominant inheritance. Affected: yes. Observed: 1 heterozygote.
Comment: A Heterozygous Nonsense variant c.2365C>T in Exon 18 of the FGFR1 gene that results in the amino acid substitution p.Arg789* was identified. The observed variant is novel in gnomAD exomes and genomes, respectively. The severity of the impact of this variant on the protein is high, based on the effect of the protein and REVEL score. Rare Exome Variant Ensemble Learner (REVEL) is an ensembl method for predicting the pathogenicity of missense variants based on a combination of scores from 13 individual tools: MutPred, FATHMM v2.3, VEST 3.0, PolyPhen-2, SIFT, PROVEAN, MutationAssessor, MutationTaster, LRT, GERP++, SiPhy, phyloP, and phastCons. The REVEL score for an individual missense variant can range from 0 to 1, with higher scores reflecting greater likelihood that the variant is disease-causing. For these reasons, this variant has been classified as Likely Pathogenic.

NM_023110.3(FGFR1):c.*1111C>T

Genes: FGFR1 (fibroblast growth factor receptor 1; minus strand), LOC102723716 (uncharacterized LOC102723716; minus strand). Cytogenetic location: 8p11.23.
Variant type: single nucleotide variant.
Coding change: c.*1111C>T on transcript NM_023110.3 (MANE Select); 1111 bases downstream of the stop codon, C replaced by T.
Molecular consequence: 3 prime UTR variant. On other transcripts: nonsense (3).
Genome position (GRCh38, 1-based): chr8:38,412,517, G>A on the plus strand (C>T on the coding strand, the complement: FGFR1 is on the minus strand). VCF-style: chr8-38412517-G-A. GRCh37 (hg19) VCF-style: chr8-38270035-G-A.
Other names: c.*1111C>T (NM_001174063.2, NM_001174064.2, NM_001174065.2 and 7 more transcripts); c.2365C>T, p.Arg789Ter (NM_001354367.2); c.2359C>T, p.Arg787Ter (NM_001354369.2); c.2098C>T, p.Arg700Ter (NM_001354370.2); short protein forms R700*, R787*, R789*.
Identifiers: ClinVar variation 2498226 (VCV002498226.4), dbSNP rs867360704, ClinGen allele CA175136447.